The following is an entry in ClinVar:

NM_001039348.3(EFEMP1):c.*248A>C

Gene: EFEMP1 (EGF-like fibulin extracellular matrix protein 1; minus strand). Cytogenetic location: 2p16.1.
Variant type: single nucleotide variant.
Coding change: c.*248A>C on transcript NM_001039348.3 (MANE Select); 248 bases downstream of the stop codon, A replaced by C.
Molecular consequence: 3 prime UTR variant.
Genome position (GRCh38, 1-based): chr2:55,866,825, T>G on the plus strand (A>C on the coding strand, the complement: EFEMP1 is on the minus strand). VCF-style: chr2-55866825-T-G. GRCh37 (hg19) VCF-style: chr2-56093960-T-G.
Other names: c.*248A>C (NM_001039349.3).
Identifiers: ClinVar variation 336616 (VCV000336616.5), dbSNP rs117386259, ClinGen allele CA10615591.
Genomic context (GRCh38, chr2:55,866,825, plus strand): 5'-GATCATCATTGCTTGGTCCCACTTTTATAGGAAAGAATCCAAGTTTCACCAGATAGTGTA[T>G]ACTTAGCTCTCTTGAAGAAGACCAGTTTAGTGGATTAATGTCTAATTTACATATAGTAAT-3'

ClinVar aggregate classification (germline): Benign (1 of 4 stars; one submission).

Conditions:
Doyne honeycomb retinal dystrophy (DHRD). Also called: DOYNE HONEYCOMB DEGENERATION OF RETINA; MALATTIA LEVENTINESE; DRUSEN, RADIAL, AUTOSOMAL DOMINANT. Identifiers: Orphanet 75376, MedGen C1832174, MONDO:0007471, OMIM 126600.

Allele frequency attached by ClinVar (database versions not stated): gnomAD 0.00227 and 0.00305; TOPMed 0.00343; 1000 Genomes Project 30x 0.01655; 1000 Genomes Project 0.01737.
gnomAD v4.1: 1,479 of 462,944 alleles (0.32%); highest among the groups gnomAD compares: East Asian, 5%; 46 homozygotes.

Submission:

Illumina Laboratory Services, Illumina
Classification: Benign for Doyne honeycomb retinal dystrophy. Last evaluated: 2018-01-12. Review status: criteria provided, single submitter. Criteria: ICSL Variant Classification Criteria 13 December 2019. Collection method: clinical testing. Allele origin: germline.
Comment: This variant was observed in the ICSL laboratory as part of a predisposition screen in an ostensibly healthy population. It had not been previously curated by ICSL or reported in the Human Gene Mutation Database (HGMD: prior to June 1st, 2018), and was therefore a candidate for classification through an automated scoring system. Utilizing variant allele frequency, disease prevalence and penetrance estimates, and inheritance mode, an automated score was calculated to assess if this variant is too frequent to cause the disease. Based on the score and internal cut-off values, a variant classified as benign is not then subjected to further curation. The score for this variant resulted in a classification of benign for this disease.